The following is an entry in ClinVar:

ClinVar aggregate classification (germline): Benign (0 of 4 stars; one submission).

Conditions:
NUP160-related disorder. Also called: NUP160-related condition.

Allele frequency attached by ClinVar (database versions not stated): 1000 Genomes Project 0.01058; 1000 Genomes Project 30x 0.01171.
gnomAD v4.1: 2,267 of 852,036 alleles (0.27%); highest among the groups gnomAD compares: African/African-American, 3.5%; 45 homozygotes.

Submission:

PreventionGenetics, part of Exact Sciences
Classification: Benign for NUP160-related condition. Last evaluated: 2019-04-11. Review status: no assertion criteria provided. Collection method: clinical testing. Allele origin: germline.
Comment: This variant is classified as benign based on ACMG/AMP sequence variant interpretation guidelines (Richards et al. 2015 PMID: 25741868, with internal and published modifications).

NM_015231.3(NUP160):c.423+139C>T

Gene: NUP160 (nucleoporin 160; minus strand). Cytogenetic location: 11p11.2.
Variant type: single nucleotide variant.
Coding change: c.423+139C>T on transcript NM_015231.3 (MANE Select); 139 bases into the intron after coding-DNA position 423, C replaced by T.
Molecular consequence: intron variant. On other transcripts: missense variant (1).
Genome position (GRCh38, 1-based): chr11:47,840,239, G>A on the plus strand (C>T on the coding strand, the complement: NUP160 is on the minus strand). VCF-style: chr11-47840239-G-A. GRCh37 (hg19) VCF-style: chr11-47861791-G-A.
Other names: c.664C>T, p.Arg222Cys (NM_001318399.1); short protein forms R222C.
Identifiers: ClinVar variation 3043929 (VCV003043929.2), dbSNP rs114164215, ClinGen allele CA5981616.